The following is an entry in ClinVar:

ClinVar aggregate classification (germline): Pathogenic. Review status: criteria provided, multiple submitters, no conflicts (2 of 4 stars). 2 submissions from 2 submitters: Pathogenic (2). Last evaluated 2023-05-09.

Conditions:
Familial adenomatous polyposis 1 (FAP1). Also called: FAMILIAL ADENOMATOUS POLYPOSIS 1, ATTENUATED; POLYPOSIS, ADENOMATOUS INTESTINAL. Identifiers: MedGen C2713442, MONDO:0021056, OMIM 175100. Disease mechanism: loss of function.

Submissions (2):

Myriad Genetics, Inc.
Classification: Pathogenic for Familial adenomatous polyposis 1. Last evaluated: 2023-05-09. Review status: criteria provided, single submitter. Criteria: Myriad Autosomal Dominant, Autosomal Recessive and X-Linked Classification Criteria (2023). Collection method: clinical testing. Allele origin: unknown.
Comment: This variant is considered pathogenic. This variant creates a termination codon and is predicted to result in premature protein truncation.

Labcorp Genetics (formerly Invitae), Labcorp
Classification: Pathogenic for Familial adenomatous polyposis 1. Last evaluated: 2019-09-11. Review status: criteria provided, single submitter. Criteria: Invitae Variant Classification Sherloc (09022015). Collection method: clinical testing. Allele origin: germline.
Comment: This sequence change results in a premature translational stop signal in the APC gene (p.Lys1207*). While this is not anticipated to result in nonsense mediated decay, it is expected to disrupt the last 1638 amino acids of the APC protein. This variant is not present in population databases (ExAC no frequency). This variant has not been reported in the literature in individuals with APC-related conditions. This variant is expected to disrupt the EB1 and HDLG binding sites, which mediate interactions with the cytoskeleton (PMID: 15311282, 17293347). While functional studies have not been performed to directly test the effect on APC protein function, this suggests that disruption of the C-terminal portion of the protein is functionally important. For these reasons, this variant has been classified as Pathogenic. A different truncation (p.Tyr2645Lysfs*14) that lies downstream of this variant has been determined to be pathogenic (PMID: 9824584, 1316610, 27081525, 8381579, 22135120, Invitae). This suggests that deletion of this region of the APC protein is causative of disease.

Literature cited by the submitters: PubMed 15311282 (cited by Labcorp Genetics (formerly Invitae), Labcorp); PubMed 17293347 (cited by Labcorp Genetics (formerly Invitae), Labcorp); PubMed 9824584 (cited by Labcorp Genetics (formerly Invitae), Labcorp); PubMed 1316610 (cited by Labcorp Genetics (formerly Invitae), Labcorp); PubMed 27081525 (cited by Labcorp Genetics (formerly Invitae), Labcorp); PubMed 8381579 (cited by Labcorp Genetics (formerly Invitae), Labcorp); PubMed 22135120 (cited by Labcorp Genetics (formerly Invitae), Labcorp).

NM_000038.6(APC):c.3618dup (p.Lys1207Ter)

Gene: APC (APC regulator of Wnt signaling pathway; plus strand). Cytogenetic location: 5q22.2.
Variant type: Duplication.
Coding change: c.3618dup on transcript NM_000038.6 (MANE Select); coding-DNA position 3618, one base duplicated (T; older notation c.3618dupT).
Protein change: p.Lys1207Ter; replaces lysine 1207 with a stop codon.
Molecular consequence: nonsense.
Genome position (GRCh38, 1-based): chr5:112,839,212, T duplicated. VCF-style (leftmost placement, unchanged base first): chr5-112839211-G-GT. GRCh37 (hg19) VCF-style: chr5-112174908-G-GT.
Other names: c.3618dup, p.Lys1207Ter (NM_001127510.3, NM_001354895.2); c.3564dup, p.Lys1189Ter (NM_001127511.3); c.3672dup, p.Lys1225Ter (NM_001354896.2); c.3648dup, p.Lys1217Ter (NM_001354897.2); c.3543dup, p.Lys1182Ter (NM_001354898.2); c.3534dup, p.Lys1179Ter (NM_001354899.2); c.3495dup, p.Lys1166Ter (NM_001354900.2); c.3441dup, p.Lys1148Ter (NM_001354901.2); and 5 more; short protein forms K1106*, K1179*, K1189*, K1207*, K1225*, K1217*, K1047*, K1081*.
Identifiers: ClinVar variation 942566 (VCV000942566.12), dbSNP rs1765476401, ClinGen allele CA1139655921.